The following is an entry in ClinVar:

NM_170754.4(TNS2):c.3920C>T (p.Pro1307Leu)

Gene: TNS2 (tensin 2; plus strand). Cytogenetic location: 12q13.13.
Variant type: single nucleotide variant.
Coding change: c.3920C>T on transcript NM_170754.4 (MANE Select); coding-DNA position 3920, C replaced by T.
Protein change: p.Pro1307Leu; replaces proline 1307 with leucine.
Molecular consequence: missense variant.
Genome position (GRCh38, 1-based): chr12:53,063,185, C>T. VCF-style: chr12-53063185-C-T. GRCh37 (hg19) VCF-style: chr12-53456969-C-T.
Other names: c.3920C>T, p.Pro1307Leu (NM_001416202.1); c.3878C>T, p.Pro1293Leu (NM_001416203.1); c.3947C>T, p.Pro1316Leu (NM_001416204.1); c.3851C>T, p.Pro1284Leu (NM_015319.3); c.3548C>T, p.Pro1183Leu (NM_198316.2); short protein forms P1183L, P1317L, P1307L, P1284L, P1293L, P1316L.
Identifiers: ClinVar variation 2060985 (VCV002060985.4), dbSNP rs767325703, ClinGen allele CA6593028.

ClinVar aggregate classification (germline): Uncertain significance (1 of 4 stars; one submission).

Allele frequency attached by ClinVar (database versions not stated): gnomAD 0.00001; gnomAD exomes 0.00002; ExAC 0.00003.
gnomAD v4.1: 26 of 1,612,382 alleles (0.0016%); highest among the groups gnomAD compares: South Asian, 0.028%; no homozygotes.

Submission:

Labcorp Genetics (formerly Invitae), Labcorp
Classification: Uncertain significance. Last evaluated: 2022-08-13. Review status: criteria provided, single submitter. Criteria: Invitae Variant Classification Sherloc (09022015). Collection method: clinical testing. Allele origin: germline.
Comment: This sequence change replaces proline, which is neutral and non-polar, with leucine, which is neutral and non-polar, at codon 1317 of the TNS2 protein (p.Pro1317Leu). This variant is present in population databases (rs767325703, gnomAD 0.03%). In summary, the available evidence is currently insufficient to determine the role of this variant in disease. Therefore, it has been classified as a Variant of Uncertain Significance. Algorithms developed to predict the effect of missense changes on protein structure and function are either unavailable or do not agree on the potential impact of this missense change (SIFT: "Deleterious"; PolyPhen-2: "Benign"; Align-GVGD: "Class C0"). This variant has not been reported in the literature in individuals affected with TNS2-related conditions.